The following is an entry in ClinVar:

NM_006767.4(LZTR1):c.2459T>G (p.Ile820Ser)

Gene: LZTR1 (leucine zipper like post translational regulator 1; plus strand). Cytogenetic location: 22q11.21.
Variant type: single nucleotide variant.
Coding change: c.2459T>G on transcript NM_006767.4 (MANE Select); coding-DNA position 2459, T replaced by G.
Protein change: p.Ile820Ser; replaces isoleucine 820 with serine.
Molecular consequence: missense variant.
Genome position (GRCh38, 1-based): chr22:20,997,284, T>G. VCF-style: chr22-20997284-T-G. GRCh37 (hg19) VCF-style: chr22-21351573-T-G.
Other names: short protein forms I820S.
Identifiers: ClinVar variation 3627056 (VCV003627056.2).

ClinVar aggregate classification (germline): Uncertain significance (1 of 4 stars; one submission).

Submission:

Labcorp Genetics (formerly Invitae), Labcorp
Classification: Uncertain significance. Last evaluated: 2024-04-01. Review status: criteria provided, single submitter. Criteria: Invitae Variant Classification Sherloc (09022015). Collection method: clinical testing. Allele origin: germline.
Comment: This sequence change replaces isoleucine, which is neutral and non-polar, with serine, which is neutral and polar, at codon 820 of the LZTR1 protein (p.Ile820Ser). This variant is not present in population databases (gnomAD no frequency). This variant has not been reported in the literature in individuals affected with LZTR1-related conditions. Advanced modeling of protein sequence and biophysical properties (such as structural, functional, and spatial information, amino acid conservation, physicochemical variation, residue mobility, and thermodynamic stability) performed at Invitae indicates that this missense variant is not expected to disrupt LZTR1 protein function with a negative predictive value of 80%. In summary, the available evidence is currently insufficient to determine the role of this variant in disease. Therefore, it has been classified as a Variant of Uncertain Significance.